The following is an entry in ClinVar:

NM_024685.4(BBS10):c.1164C>T (p.Ser388=)

Gene: BBS10 (Bardet-Biedl syndrome 10; minus strand). Cytogenetic location: 12q21.2.
Variant type: single nucleotide variant.
Coding change: c.1164C>T on transcript NM_024685.4 (MANE Select); coding-DNA position 1164, C replaced by T.
Protein change: p.Ser388=; no amino-acid change (serine 388 retained).
Molecular consequence: synonymous variant.
Genome position (GRCh38, 1-based): chr12:76,346,821, G>A on the plus strand (C>T on the coding strand, the complement: BBS10 is on the minus strand). VCF-style: chr12-76346821-G-A. GRCh37 (hg19) VCF-style: chr12-76740601-G-A.
Identifiers: ClinVar variation 884186 (VCV000884186.12), dbSNP rs1484593364, ClinGen allele CA481011371.

ClinVar aggregate classification (germline): Conflicting classifications of pathogenicity. Review status: criteria provided, conflicting classifications (1 of 4 stars). 3 submissions from 3 submitters: Uncertain significance (1); Likely benign (1). 1 of the submissions does not count toward it. Last evaluated 2023-08-16.

Conditions:
BBS10-related disorder. Also called: BBS10-related condition.
Bardet-Biedl syndrome 10 (BBS10). Identifiers: Orphanet 110, MedGen C1859568, MONDO:0014438, OMIM 615987.
Bardet-Biedl syndrome (BBS). Identifiers: Orphanet 110, MedGen C0752166, MONDO:0015229.

Allele frequency attached by ClinVar (database versions not stated): gnomAD 0.00002; gnomAD exomes 0.00002; TOPMed 0.00002.
gnomAD v4.1: 35 of 1,613,982 alleles (0.0022%); highest among the groups gnomAD compares: Non-Finnish European, 0.0025%; no homozygotes.

Submissions (3):

Labcorp Genetics (formerly Invitae), Labcorp
Classification: Likely benign for Bardet-Biedl syndrome. Last evaluated: 2023-08-16. Review status: criteria provided, single submitter. Criteria: Invitae Variant Classification Sherloc (09022015). Collection method: clinical testing. Allele origin: germline.

Illumina Laboratory Services, Illumina
Classification: Uncertain significance for Bardet-Biedl syndrome 10. Last evaluated: 2018-01-12. Review status: criteria provided, single submitter. Criteria: ICSL Variant Classification Criteria 13 December 2019. Collection method: clinical testing. Allele origin: germline.

PreventionGenetics, part of Exact Sciences
Classification: Likely benign for BBS10-related condition. Last evaluated: 2024-05-01. Review status: no assertion criteria provided. Collection method: clinical testing. Allele origin: germline. Not counted in ClinVar's aggregate classification.
Comment: This variant is classified as likely benign based on ACMG/AMP sequence variant interpretation guidelines (Richards et al. 2015 PMID: 25741868, with internal and published modifications).